The following is an entry in ClinVar:

NM_000264.5(PTCH1):c.55G>T (p.Gly19Cys)

Genes: PTCH1 (patched 1; minus strand), LOC130002133 (ATAC-STARR-seq lymphoblastoid silent region 20071; plus strand). Cytogenetic location: 9q22.32.
Variant type: single nucleotide variant.
Coding change: c.55G>T on transcript NM_000264.5 (MANE Select); coding-DNA position 55, G replaced by T.
Protein change: p.Gly19Cys; replaces glycine 19 with cysteine.
Molecular consequence: missense variant. On other transcripts: non-coding transcript variant (1), intron variant (3).
Genome position (GRCh38, 1-based): chr9:95,508,307, C>A on the plus strand (G>T on the coding strand, the complement: PTCH1 is on the minus strand). VCF-style: chr9-95508307-C-A. GRCh37 (hg19) VCF-style: chr9-98270589-C-A.
Other names: c.55G>T, p.Gly19Cys (NM_001354918.2); c.199-1708G>T (NM_001083603.3); c.4-1708G>T (NM_001083602.3, NM_001354919.2); short protein forms G19C.
Identifiers: ClinVar variation 2626222 (VCV002626222.2), dbSNP rs778460384, ClinGen allele CA374121505.

ClinVar aggregate classification (germline): Uncertain significance (1 of 4 stars; one submission).

Conditions:
Hereditary cancer-predisposing syndrome. Also called: Tumor predisposition; Hereditary Cancer Syndrome; Hereditary neoplastic syndrome; Neoplastic Syndromes, Hereditary. Identifiers: Orphanet 140162, MedGen C0027672, MeSH D009386, MONDO:0015356.

Submission:

Ambry Genetics
Classification: Uncertain significance for Hereditary cancer-predisposing syndrome. Last evaluated: 2023-07-08. Review status: criteria provided, single submitter. Criteria: Ambry Variant Classification Scheme 2023. Collection method: clinical testing. Allele origin: germline.
Comment: The p.G19C variant (also known as c.55G>T), located in coding exon 1 of the PTCH1 gene, results from a G to T substitution at nucleotide position 55. The glycine at codon 19 is replaced by cysteine, an amino acid with highly dissimilar properties. This amino acid position is conserved. In addition, this alteration is predicted to be tolerated by in silico analysis. Since supporting evidence is limited at this time, the clinical significance of this alteration remains unclear.